The following is an entry in ClinVar:

NM_007254.4(PNKP):c.1302C>T (p.Tyr434=)

Gene: PNKP (polynucleotide kinase 3'-phosphatase; minus strand). Cytogenetic location: 19q13.33.
Variant type: single nucleotide variant.
Coding change: c.1302C>T on transcript NM_007254.4 (MANE Select); coding-DNA position 1302, C replaced by T.
Protein change: p.Tyr434=; no amino-acid change (tyrosine 434 retained).
Molecular consequence: synonymous variant.
Genome position (GRCh38, 1-based): chr19:49,861,692, G>A on the plus strand (C>T on the coding strand, the complement: PNKP is on the minus strand). VCF-style: chr19-49861692-G-A. GRCh37 (hg19) VCF-style: chr19-50364949-G-A.
Identifiers: ClinVar variation 194527 (VCV000194527.23), dbSNP rs747244348, ClinGen allele CA240543.

ClinVar aggregate classification (germline): Conflicting classifications of pathogenicity. Review status: criteria provided, conflicting classifications (1 of 4 stars). 6 submissions from 6 submitters: Uncertain significance (1); Likely benign (5). Last evaluated 2026-04-28.

Conditions:
PNKP-related disorder. Also called: PNKP-related condition; PNKP-related disorders.
Inborn genetic diseases. Identifiers: MedGen C0950123, MeSH D030342.
Developmental and epileptic encephalopathy, 12 (DEE12). Identifiers: MedGen C3150988, MONDO:0013389, OMIM 613722.

Allele frequency attached by ClinVar (database versions not stated): gnomAD 0.00003; TOPMed 0.00004; ExAC 0.00006; gnomAD exomes 0.00007.
gnomAD v4.1: 31 of 1,547,490 alleles (0.002%); highest among the groups gnomAD compares: Admixed American, 0.02%; no homozygotes.

Submissions (6):

PreventionGenetics, part of Exact Sciences
Classification: Likely benign for PNKP-related condition. Last evaluated: 2026-04-28. Review status: criteria provided, single submitter. Criteria: ACMG Guidelines, 2015. Collection method: clinical testing. Allele origin: germline.
Comment: This variant is classified as likely benign based on ACMG/AMP sequence variant interpretation guidelines (Richards et al. 2015 PMID: 25741868, with internal and published modifications).

Labcorp Genetics (formerly Invitae), Labcorp
Classification: Likely benign for Developmental and epileptic encephalopathy, 12. Last evaluated: 2025-12-16. Review status: criteria provided, single submitter. Criteria: Invitae Variant Classification Sherloc (09022015). Collection method: clinical testing. Allele origin: germline.

Blueprint Genetics
Classification: Likely benign. Last evaluated: 2024-09-06. Review status: criteria provided, single submitter. Criteria: ACMG Guidelines, 2015. Collection method: clinical testing. Allele origin: germline.

GeneDx
Classification: Likely benign. Last evaluated: 2019-12-03. Review status: criteria provided, single submitter. Criteria: GeneDx Variant Classification Process June 2021. Collection method: clinical testing. Allele origin: germline. Affected: yes.

Ambry Genetics
Classification: Likely benign for Inborn genetic diseases. Last evaluated: 2018-08-29. Review status: criteria provided, single submitter. Criteria: Ambry Variant Classification Scheme 2023. Collection method: clinical testing. Allele origin: germline.

Eurofins Ntd Llc (ga)
Classification: Uncertain significance. Last evaluated: 2014-11-18. Review status: criteria provided, single submitter. Criteria: EGL Classification Definitions 2015. Collection method: clinical testing. Allele origin: germline. Observed: 1 variant allele, 1 heterozygote.